The following is an entry in ClinVar:

NM_020702.5(MYORG):c.513C>T (p.Ala171=)

Gene: MYORG (myogenesis regulating glycosidase; minus strand). Cytogenetic location: 9p13.3.
Variant type: single nucleotide variant.
Coding change: c.513C>T on transcript NM_020702.5 (MANE Select); coding-DNA position 513, C replaced by T.
Protein change: p.Ala171=; no amino-acid change (alanine 171 retained).
Molecular consequence: synonymous variant.
Genome position (GRCh38, 1-based): chr9:34,372,431, G>A on the plus strand (C>T on the coding strand, the complement: MYORG is on the minus strand). VCF-style: chr9-34372431-G-A. GRCh37 (hg19) VCF-style: chr9-34372429-G-A.
Identifiers: ClinVar variation 3058821 (VCV003058821.2), dbSNP rs759524159, ClinGen allele CA5033130.

ClinVar aggregate classification (germline): Likely benign (0 of 4 stars; one submission).

Conditions:
MYORG-related disorder. Also called: MYORG-related condition.

Allele frequency attached by ClinVar (database versions not stated): gnomAD 0.00001; ExAC 0.00003.
gnomAD v4.1: 8 of 1,578,830 alleles (0.00051%); highest among the groups gnomAD compares: African/African-American, 0.0013%; no homozygotes.

Submission:

PreventionGenetics, part of Exact Sciences
Classification: Likely benign for MYORG-related condition. Last evaluated: 2019-03-08. Review status: no assertion criteria provided. Collection method: clinical testing. Allele origin: germline.
Comment: This variant is classified as likely benign based on ACMG/AMP sequence variant interpretation guidelines (Richards et al. 2015 PMID: 25741868, with internal and published modifications).